The following is an entry in ClinVar:

NM_015047.3(EMC1):c.545G>A (p.Gly182Asp)

Gene: EMC1 (ER membrane protein complex subunit 1; minus strand). Cytogenetic location: 1p36.13.
Variant type: single nucleotide variant.
Coding change: c.545G>A on transcript NM_015047.3 (MANE Select); coding-DNA position 545, G replaced by A.
Protein change: p.Gly182Asp; replaces glycine 182 with aspartic acid.
Molecular consequence: missense variant.
Genome position (GRCh38, 1-based): chr1:19,241,107, C>T on the plus strand (G>A on the coding strand, the complement: EMC1 is on the minus strand). VCF-style: chr1-19241107-C-T. GRCh37 (hg19) VCF-style: chr1-19567601-C-T.
Other names: c.545G>A, p.Gly182Asp (NM_001271427.2, NM_001271428.2, NM_001375820.1 and 1 more transcripts); c.479G>A, p.Gly160Asp (NM_001271429.2); short protein forms G160D, G182D.
Identifiers: ClinVar variation 2811235 (VCV002811235.3), dbSNP rs2536790058, ClinGen allele CA338770205.

ClinVar aggregate classification (germline): Uncertain significance (1 of 4 stars; one submission).

Allele frequency attached by ClinVar (database versions not stated): gnomAD exomes below 0.00001.
gnomAD v4.1: 1 of 1,614,176 alleles (0.000062%); highest among the groups gnomAD compares: South Asian, 0.0011%; no homozygotes.

Submission:

Labcorp Genetics (formerly Invitae), Labcorp
Classification: Uncertain significance. Last evaluated: 2022-11-01. Review status: criteria provided, single submitter. Criteria: Invitae Variant Classification Sherloc (09022015). Collection method: clinical testing. Allele origin: germline.
Comment: This sequence change replaces glycine, which is neutral and non-polar, with aspartic acid, which is acidic and polar, at codon 182 of the EMC1 protein (p.Gly182Asp). In summary, the available evidence is currently insufficient to determine the role of this variant in disease. Therefore, it has been classified as a Variant of Uncertain Significance. Advanced modeling of protein sequence and biophysical properties (such as structural, functional, and spatial information, amino acid conservation, physicochemical variation, residue mobility, and thermodynamic stability) performed at Invitae indicates that this missense variant is not expected to disrupt EMC1 protein function. This variant has not been reported in the literature in individuals affected with EMC1-related conditions. This variant is not present in population databases (gnomAD no frequency).